The following is an entry in ClinVar:

ClinVar aggregate classification (germline): Likely pathogenic (1 of 4 stars; one submission).

Conditions:
Cardiovascular phenotype. Identifiers: MedGen CN230736.

Submission:

Molecular Diagnostic Laboratory for Inherited Cardiovascular Disease, Montreal Heart Institute
Classification: Likely pathogenic for Cardiovascular phenotype. Last evaluated: 2024-02-05. Review status: criteria provided, single submitter. Criteria: ACMG Guidelines, 2015. Collection method: clinical testing. Allele origin: germline. Affected: yes.
Comment: PVS1; PM2

NM_004281.4(BAG3):c.568_577del (p.Ser190fs)

Gene: BAG3 (BAG cochaperone 3; plus strand). Cytogenetic location: 10q26.11.
Variant type: Deletion.
Coding change: c.568_577del on transcript NM_004281.4 (MANE Select); coding-DNA positions 568 to 577, 10 bases deleted (TCCTCCGGCA; older notation c.568_577delTCCTCCGGCA).
Protein change: p.Ser190fs; shifts the reading frame from serine 190.
Molecular consequence: frameshift variant.
Genome position (GRCh38, 1-based): chr10:119,672,315-119,672,324, TCCTCCGGCA deleted. VCF-style (leftmost placement, unchanged base first): chr10-119672314-TTCCTCCGGCA-T. GRCh37 (hg19) VCF-style: chr10-121431826-TTCCTCCGGCA-T.
Other names: c.568_577delTCCTCCGGCA (NM_004281.3); c.568_577del (NM_004281.3); short protein forms S190fs.
Identifiers: ClinVar variation 978309 (VCV000978309.3), dbSNP rs1847161579, ClinGen allele CA1139661705.